The following is an entry in ClinVar:

ClinVar aggregate classification (germline): Likely pathogenic (1 of 4 stars; one submission).

Conditions:
Frontotemporal dementia and/or amyotrophic lateral sclerosis 4. Also called: FTDALS4. Identifiers: Orphanet 275872, MedGen C4225325, MONDO:0014641, OMIM 616439.

Submission:

Labcorp Genetics (formerly Invitae), Labcorp
Classification: Likely pathogenic for Frontotemporal dementia and/or amyotrophic lateral sclerosis 4. Last evaluated: 2025-06-20. Review status: criteria provided, single submitter. Criteria: Invitae Variant Classification Sherloc (09022015). Collection method: clinical testing. Allele origin: germline.
Comment: This sequence change affects an acceptor splice site in intron 11 of the TBK1 gene. It is expected to disrupt RNA splicing. Variants that disrupt the donor or acceptor splice site typically lead to a loss of protein function (PMID: 16199547), and loss-of-function variants in TBK1 are known to be pathogenic (PMID: 25803835, 26476236, 26581300). This variant is not present in population databases (gnomAD no frequency). This variant has not been reported in the literature in individuals affected with TBK1-related conditions. ClinVar contains an entry for this variant (Variation ID: 2024217). Algorithms developed to predict the effect of sequence changes on RNA splicing suggest that this variant may disrupt the consensus splice site. In summary, the currently available evidence indicates that the variant is pathogenic, but additional data are needed to prove that conclusively. Therefore, this variant has been classified as Likely Pathogenic.

Literature cited by the submitters: PubMed 16199547; PubMed 25803835; PubMed 26476236; PubMed 26581300.

NM_013254.4(TBK1):c.1341-1G>C

Gene: TBK1 (TANK binding kinase 1; plus strand). Cytogenetic location: 12q14.2.
Variant type: single nucleotide variant.
Coding change: c.1341-1G>C on transcript NM_013254.4 (MANE Select); the canonical splice acceptor site of the intron before coding-DNA position 1341, G replaced by C.
Molecular consequence: splice acceptor variant.
Genome position (GRCh38, 1-based): chr12:64,488,486, G>C. VCF-style: chr12-64488486-G-C. GRCh37 (hg19) VCF-style: chr12-64882266-G-C.
Identifiers: ClinVar variation 2024217 (VCV002024217.4), dbSNP rs1461457058, ClinGen allele CA385601638.